The following is an entry in ClinVar:

NM_000096.4(CP):c.1843C>T (p.Gln615Ter)

Gene: CP (ceruloplasmin; minus strand). Cytogenetic location: 3q24.
Variant type: single nucleotide variant.
Coding change: c.1843C>T on transcript NM_000096.4 (MANE Select); coding-DNA position 1843, C replaced by T.
Protein change: p.Gln615Ter; replaces glutamine 615 with a stop codon.
Molecular consequence: nonsense. On other transcripts: non-coding transcript variant (1).
Genome position (GRCh38, 1-based): chr3:149,188,073, G>A on the plus strand (C>T on the coding strand, the complement: CP is on the minus strand). VCF-style: chr3-149188073-G-A. GRCh37 (hg19) VCF-style: chr3-148905860-G-A.
Other names: short protein forms Q615*.
Identifiers: ClinVar variation 1983298 (VCV001983298.4), dbSNP rs2472773829, ClinGen allele CA354932784.

ClinVar aggregate classification (germline): Pathogenic (1 of 4 stars; one submission).

Conditions:
Deficiency of ferroxidase (ACEP). Also called: Deficiency of ceruloplasmin; Aceruloplasminemia; Ceruloplasmin deficiency; Familial apoceruloplasmin deficiency; Hereditary ceruloplasmin deficiency; NEURODEGENERATION WITH BRAIN IRON ACCUMULATION 10. Identifiers: Orphanet 48818, MedGen C0878682, MONDO:0011426, OMIM 604290, HP:0025498.

Submission:

Labcorp Genetics (formerly Invitae), Labcorp
Classification: Pathogenic for Deficiency of ferroxidase. Last evaluated: 2022-09-05. Review status: criteria provided, single submitter. Criteria: Invitae Variant Classification Sherloc (09022015). Collection method: clinical testing. Allele origin: germline.
Comment: This sequence change creates a premature translational stop signal (p.Gln615*) in the CP gene. It is expected to result in an absent or disrupted protein product. Loss-of-function variants in CP are known to be pathogenic (PMID: 16629161). This variant is not present in population databases (gnomAD no frequency). For these reasons, this variant has been classified as Pathogenic. This variant has not been reported in the literature in individuals affected with CP-related conditions.

Literature cited by the submitters: PubMed 16629161.